The following is an entry in ClinVar:

NM_020738.4(KIDINS220):c.882T>C (p.Asp294=)

Gene: KIDINS220 (kinase D interacting substrate 220; minus strand). Cytogenetic location: 2p25.1.
Variant type: single nucleotide variant.
Coding change: c.882T>C on transcript NM_020738.4 (MANE Select); coding-DNA position 882, T replaced by C.
Protein change: p.Asp294=; no amino-acid change (aspartic acid 294 retained).
Molecular consequence: synonymous variant. On other transcripts: non-coding transcript variant (2).
Genome position (GRCh38, 1-based): chr2:8,800,418, A>G on the plus strand (T>C on the coding strand, the complement: KIDINS220 is on the minus strand). VCF-style: chr2-8800418-A-G. GRCh37 (hg19) VCF-style: chr2-8940548-A-G.
Other names: c.885T>C, p.Asp295= (NM_001348729.2, NM_001348731.2, NM_001348734.2 and 3 more transcripts); c.882T>C, p.Asp294= (NM_001348732.2, NM_001348735.2, NM_001348738.2 and 3 more transcripts); c.756T>C, p.Asp252= (NM_001348736.2).
Identifiers: ClinVar variation 2178933 (VCV002178933.28), dbSNP rs199983082, ClinGen allele CA1520327.

ClinVar aggregate classification (germline): Likely benign. Review status: criteria provided, multiple submitters, no conflicts (2 of 4 stars). 2 submissions from 2 submitters: Likely benign (2). Last evaluated 2025-04-01.

Allele frequency attached by ClinVar (database versions not stated): ExAC 0.00002; gnomAD 0.00003; gnomAD exomes 0.00003; TOPMed 0.00004; ESP Exome Variant Server 0.00008.
gnomAD v4.1: 52 of 1,612,460 alleles (0.0032%); highest among the groups gnomAD compares: Middle Eastern, 0.099%; no homozygotes.

Submissions (2):

CeGaT Center for Human Genetics Tuebingen
Classification: Likely benign. Last evaluated: 2025-04-01. Review status: criteria provided, single submitter. Criteria: CeGaT Center For Human Genetics Tuebingen Variant Classification Criteria Version 2. Collection method: clinical testing. Allele origin: germline. Affected: yes. Observed: 2 variant alleles.
Comment: KIDINS220: BP4, BP7

Labcorp Genetics (formerly Invitae), Labcorp
Classification: Likely benign. Last evaluated: 2023-11-27. Review status: criteria provided, single submitter. Criteria: Invitae Variant Classification Sherloc (09022015). Collection method: clinical testing. Allele origin: germline.